The following is an entry in ClinVar:

ClinVar aggregate classification (germline): Benign/Likely benign. Review status: criteria provided, multiple submitters, no conflicts (2 of 4 stars). 3 submissions from 3 submitters: Benign (1); Likely benign (2). Last evaluated 2026-01-13.

Conditions:
Aicardi-Goutieres syndrome 7 (AGS7). Identifiers: Orphanet 51, MedGen C3888244, MONDO:0014367, OMIM 615846.
Singleton-Merten syndrome 1 (SGMRT1). Also called: Widened medullary cavities of bone, aortic calcification, abnormal dentition, and muscular weakness; Syndrome of widened medullary cavities of the metacarpals and phalanges, aortic calcification and abnormal dentition. Identifiers: Orphanet 85191, MedGen C4225427, MONDO:0024535, OMIM 182250.

Allele frequency attached by ClinVar (database versions not stated): ESP Exome Variant Server 0.00008; gnomAD exomes 0.00012 and 0.00021; gnomAD 0.00015 and 0.00017; TOPMed 0.00018; ExAC 0.00021.
gnomAD v4.1: 220 of 1,613,914 alleles (0.014%); highest among the groups gnomAD compares: Non-Finnish European, 0.0032%; 1 homozygote.

Submissions (3):

Labcorp Genetics (formerly Invitae), Labcorp
Classification: Benign for Aicardi-Goutieres syndrome 7; Singleton-Merten syndrome 1. Last evaluated: 2026-01-13. Review status: criteria provided, single submitter. Criteria: Invitae Variant Classification Sherloc (09022015). Collection method: clinical testing. Allele origin: germline.

Mayo Clinic Laboratories, Mayo Clinic
Classification: Likely benign. Last evaluated: 2024-12-30. Review status: criteria provided, single submitter. Criteria: ACMG Guidelines, 2015. Collection method: clinical testing. Allele origin: germline. Observed: 1 variant allele.
Comment: BS1, BP4_moderate

Blueprint Genetics
Classification: Likely benign. Last evaluated: 2024-04-25. Review status: criteria provided, single submitter. Criteria: ACMG Guidelines, 2015. Collection method: clinical testing. Allele origin: germline.

NM_022168.4(IFIH1):c.2239G>A (p.Val747Ile)

Gene: IFIH1 (interferon induced with helicase C domain 1; minus strand). Cytogenetic location: 2q24.2.
Variant type: single nucleotide variant.
Coding change: c.2239G>A on transcript NM_022168.4 (MANE Select); coding-DNA position 2239, G replaced by A.
Protein change: p.Val747Ile; replaces valine 747 with isoleucine.
Molecular consequence: missense variant.
Genome position (GRCh38, 1-based): chr2:162,276,752, C>T on the plus strand (G>A on the coding strand, the complement: IFIH1 is on the minus strand). VCF-style: chr2-162276752-C-T. GRCh37 (hg19) VCF-style: chr2-163133262-C-T.
Other names: p.Val747Ile; short protein forms V747I.
Identifiers: ClinVar variation 774762 (VCV000774762.11), dbSNP rs200389061, ClinGen allele CA1934260.
Genomic context (GRCh38, chr2:162,276,752, plus strand): 5'-TCATGGGTTTGAACTCACTGCTGTGTCCAGCTCCAATCAGATGGTGGGCTTTGACTCCTA[C>T]TTCAGCAAATTTTTCATTTTCAGTAATCCACTGGGAAAGCGCATATGCACTCTGTCGTGT-3'
Protein context (NP_071451.2, residues 737-757): WITENEKFAE[Val747Ile]GVKAHHLIGA